The following is an entry in ClinVar:

ClinVar aggregate classification (germline): Uncertain significance (1 of 4 stars; one submission).

Submission:

Labcorp Genetics (formerly Invitae), Labcorp
Classification: Uncertain significance. Last evaluated: 2022-02-05. Review status: criteria provided, single submitter. Criteria: Invitae Variant Classification Sherloc (09022015). Collection method: clinical testing. Allele origin: germline.
Comment: This variant has not been reported in the literature in individuals affected with CACNA1F-related conditions. This variant is not present in population databases (gnomAD no frequency). This sequence change replaces serine, which is neutral and polar, with alanine, which is neutral and non-polar, at codon 1957 of the CACNA1F protein (p.Ser1957Ala). ClinVar contains an entry for this variant (Variation ID: 937725). In summary, the available evidence is currently insufficient to determine the role of this variant in disease. Therefore, it has been classified as a Variant of Uncertain Significance. Algorithms developed to predict the effect of missense changes on protein structure and function (SIFT, PolyPhen-2, Align-GVGD) all suggest that this variant is likely to be tolerated.

NM_001256789.3(CACNA1F):c.5836T>G (p.Ser1946Ala)

Gene: CACNA1F (calcium voltage-gated channel subunit alpha1 F; minus strand). Cytogenetic location: Xp11.23.
Variant type: single nucleotide variant.
Coding change: c.5836T>G on transcript NM_001256789.3 (MANE Select); coding-DNA position 5836, T replaced by G.
Protein change: p.Ser1946Ala; replaces serine 1946 with alanine.
Molecular consequence: missense variant.
Genome position (GRCh38, 1-based): chrX:49,205,202, A>C on the plus strand (T>G on the coding strand, the complement: CACNA1F is on the minus strand). VCF-style: chrX-49205202-A-C. GRCh37 (hg19) VCF-style: chrX-49061662-A-C.
Other names: c.5674T>G, p.Ser1892Ala (NM_001256790.3); c.5869T>G, p.Ser1957Ala (NM_005183.4); short protein forms S1946A, S1892A, S1957A.
Identifiers: ClinVar variation 937725 (VCV000937725.9), dbSNP rs1372478610, ClinGen allele CA412955942.
Genomic context (GRCh38, chrX:49,205,202, plus strand): 5'-GGGCGTGGACGCAGGCCATCTCGTCTCCCAAGTCCTCCTCATCGAAGCGGGAGAGGATGG[A>C]CTCCTCGTCGCTATAGAGAGAGCTGGTTCCCTGTGCCAGCAGGTCACTGGCAGCATTGTC-3'
Protein context (NP_001243718.1, residues 1936-1956): GTSSLYSDEE[Ser1946Ala]ILSRFDEEDL